The following is an entry in ClinVar:

NM_001048174.2(MUTYH):c.773G>A (p.Gly258Glu)

Gene: MUTYH (mutY DNA glycosylase; minus strand). Cytogenetic location: 1p34.1.
Variant type: single nucleotide variant.
Coding change: c.773G>A on transcript NM_001048174.2 (MANE Select); coding-DNA position 773, G replaced by A.
Protein change: p.Gly258Glu; replaces glycine 258 with glutamic acid.
Molecular consequence: missense variant. On other transcripts: non-coding transcript variant (2).
Genome position (GRCh38, 1-based): chr1:45,332,242, C>T on the plus strand (G>A on the coding strand, the complement: MUTYH is on the minus strand). VCF-style: chr1-45332242-C-T. GRCh37 (hg19) VCF-style: chr1-45797914-C-T.
Other names: p.G286E:GGG>GAG; c.773G>A, p.Gly258Glu (NM_001048171.2, NM_001048173.2, NM_001293195.2); c.776G>A, p.Gly259Glu (NM_001048172.2); c.857G>A, p.Gly286Glu (NM_001128425.2); c.818G>A, p.Gly273Glu (NM_001293190.2); c.806G>A, p.Gly269Glu (NM_001293191.2); c.497G>A, p.Gly166Glu (NM_001293192.2, NM_001293196.2); c.428G>A, p.Gly143Glu (NM_001350650.2, NM_001350651.2); and 1 more; short protein forms G258E, G283E, G143E, G273E, G166E, G259E, G269E.
Identifiers: ClinVar variation 182691 (VCV000182691.78), dbSNP rs730881833, ClinGen allele CA014470.

ClinVar aggregate classification (germline): Pathogenic/Likely pathogenic. Review status: criteria provided, multiple submitters, no conflicts (2 of 4 stars). 15 submissions from 15 submitters: Pathogenic (9); Likely pathogenic (4). 2 of the submissions do not count toward it. Last evaluated 2026-04-20.

Conditions:
Gastric cancer. Also called: Malignant tumor of stomach; Stomach cancer. Identifiers: MedGen C0024623, MeSH D013274, MONDO:0001056, OMIM 613659, HP:0012126.
Familial adenomatous polyposis 2. Also called: MUTYH-associated polyposis; MUTYH Polyposis; Adenomas, multiple colorectal; FAP type 2; ADENOMAS, MULTIPLE COLORECTAL, AUTOSOMAL RECESSIVE; COLORECTAL ADENOMATOUS POLYPOSIS, AUTOSOMAL RECESSIVE. Identifiers: Orphanet 220460, Orphanet 247798, MedGen C3272841, MONDO:0012041, OMIM 608456.
Hereditary cancer-predisposing syndrome. Also called: Hereditary Cancer Syndrome; Tumor predisposition; Neoplastic Syndromes, Hereditary; Hereditary neoplastic syndrome. Identifiers: Orphanet 140162, MedGen C0027672, MeSH D009386, MONDO:0015356.

Allele frequency attached by ClinVar (database versions not stated): TOPMed 0.00002; gnomAD 0.00002 and 0.00001.

Submissions 1 to 9 of 15:

Women's Health and Genetics/Laboratory Corporation of America, LabCorp
Classification: Pathogenic for Familial adenomatous polyposis 2. Last evaluated: 2026-04-20. Review status: criteria provided, single submitter. Criteria: LabCorp Variant Classification Summary - May 2015. Collection method: clinical testing. Allele origin: germline.
Comment: Variant summary: MUTYH c.857G>A (p.Gly286Glu) results in a non-conservative amino acid change in the encoded protein sequence. Algorithms developed to predict the effect of missense changes on protein structure and function all suggest that this variant is likely to be disruptive. The variant allele was found at a frequency of 2.8e-05 in 251066 control chromosomes in the gnomAD database, including 1 homozygote. c.857G>A has been observed in the homozygous or compound heterozygous state in multiple individual(s) affected with MUTYH-Associated Polyposis (example, Yanaru-Fuhisawa_2008, Khan_2017, internal data). These data indicate that the variant is likely to be associated with disease. At least one publication reports experimental evidence evaluating an impact on protein function. The most pronounced variant effect results in impaired DNA glycosylase activity (example, Yanaru-Fuhisawa_2008). The following publications have been ascertained in the context of this evaluation (PMID: 25820570, 17703316, 28533537, 18422726). ClinVar contains an entry for this variant (Variation ID: 182691). Based on the evidence outlined above, the variant was classified as pathogenic.

Labcorp Genetics (formerly Invitae), Labcorp
Classification: Pathogenic for Familial adenomatous polyposis 2. Last evaluated: 2026-01-19. Review status: criteria provided, single submitter. Criteria: Invitae Variant Classification Sherloc (09022015). Collection method: clinical testing. Allele origin: germline.
Comment: This sequence change replaces glycine, which is neutral and non-polar, with glutamic acid, which is acidic and polar, at codon 286 of the MUTYH protein (p.Gly286Glu). This variant is present in population databases (rs730881833, gnomAD 0.02%). This missense change has been observed in individual(s) with polyposis, colon cancer, and rectal cancer (PMID: 17703316, 18422726, 25892863, 29330641; internal data). In at least one individual the data is consistent with being in trans (on the opposite chromosome) from a pathogenic variant. This variant is also known as c.815G>A p.G272E. ClinVar contains an entry for this variant (Variation ID: 182691). An algorithm developed to predict the effect of missense changes on protein structure and function (PolyPhen-2) suggests that this variant is likely to be disruptive. Experimental studies are conflicting or provide insufficient evidence to determine the effect of this variant on MUTYH function (PMID: 18422726, 25820570). For these reasons, this variant has been classified as Pathogenic.

Quest Diagnostics Nichols Institute San Juan Capistrano
Classification: Pathogenic. Last evaluated: 2025-07-25. Review status: criteria provided, single submitter. Criteria: Quest Diagnostics criteria. Collection method: clinical testing. Allele origin: unknown.
Comment: The MUTYH c.857G>A (p.Gly286Glu) variant has been reported in the published literature in individuals with MUTYH-associated polyposis (MAP, PMID: 18422726 (2008), 25892863 (2015), 28251689 (2017), 28533537 (2017), 29330641 (2018), 35803914 (2022)), breast and/or ovarian cancer (PMID: 39541563 (2024), 33471991 (2021), see also LOVD), and pancreatic cancer (PMID: 30833417 (2019)). This variant has also been observed in reportedly unaffected individuals (PMID: 33471991 (2021), see also LOVD). Functional studies demonstrated that this variant had conflicting effects on protein function, with function retained in an E. coli complementation assay (PMID: 25820570 (2015), and impaired DNA glycosylase activity (PMID: 18422726 (2008). The frequency of this variant in the general population (Genome Aggregation Database) is uninformative in the assessment of its pathogenicity. Analysis of this variant using bioinformatics tools for the prediction of the effect of amino acid changes on protein structure and function yielded predictions that this variant is damaging. Based on the available information, this variant is classified as pathogenic.

Color Diagnostics, LLC DBA Color Health
Classification: Pathogenic for Hereditary cancer-predisposing syndrome. Last evaluated: 2025-06-17. Review status: criteria provided, single submitter. Criteria: ACMG Guidelines, 2015. Collection method: clinical testing. Allele origin: germline.
Comment: This missense variant replaces glycine with glutamic acid at codon 286, in an FeS cluster of the MUTYH protein. Computational prediction suggests that this variant may have deleterious impact on protein structure and function. Functional studies have reported conflicting results with one complementation of E. coli DNA damage repair (PMID: 25820570) while another study reported impaired DNA repair (PMID: 18422726). This variant has been reported in compound heterozygous individuals affected with MUTYH-associated polyposis (PMID: 17703316, 18422726, 25892863, 28251689, 28533537, 29330641) or pancreatic adenocarcinoma (PMID: 30833417). This variant has also been reported in individuals affected with breast cancer (PMID: 32761968). This variant has been identified in 7/250874 chromosomes in the general population by the Genome Aggregation Database (gnomAD). Based on the available evidence, this variant is classified as Pathogenic.

GeneDx
Classification: Pathogenic. Last evaluated: 2025-05-20. Review status: criteria provided, single submitter. Criteria: GeneDx Variant Classification Process June 2021. Collection method: clinical testing. Allele origin: germline. Affected: yes.
Comment: Published functional studies demonstrate a damaging effect: impaired DNA glycosylase activity (PMID: 18422726); Not observed at a significant frequency in large population cohorts (gnomAD); In silico analysis supports that this missense variant has a deleterious effect on protein structure/function; This variant is associated with the following publications: (PMID: 28533537, 25931827, 32761968, 32980694, 25820570, 25892863, 24799981, 23605219, 28251689, 21235684, 28087410, 19953527, 25151137, 17703316, 29330641, 30604180, 30833417, 31360874, 32888815, 32521533, 31742824, 32973888, 30787465, 35861108, 33309985, 36655350, 36243179, 35803914, 36113475, 35273153, 18422726, 11092888, 11160897)

Center for Genomic Medicine, Rigshospitalet, Copenhagen University Hospital
Classification: Pathogenic. Last evaluated: 2025-03-04. Review status: criteria provided, single submitter. Criteria: ACMG Guidelines, 2015. Collection method: clinical testing. Allele origin: germline.

All of Us Research Program, National Institutes of Health
Classification: Likely pathogenic for Familial adenomatous polyposis 2. Last evaluated: 2024-06-09. Review status: criteria provided, single submitter. Criteria: ACMG Guidelines, 2015. Collection method: clinical testing. Allele origin: germline. Inheritance: Autosomal recessive inheritance. Observed: 3 variant alleles, 3 heterozygotes.
Comment: This missense variant replaces glycine with glutamic acid at codon 286, in an FeS cluster of the MUTYH protein. Computational prediction is inconclusive regarding the impact of this variant on protein structure and function (internally defined REVEL score threshold 0.5 < inconclusive < 0.7, PMID: 27666373). Functional studies have reported conflicting results with one complementation of E. coli DNA damage repair (PMID: 25820570) while another study reported impaired DNA repair (PMID: 18422726). This variant has been reported in compound heterozygous individuals affected with MUTYH-associated polyposis (PMID: 17703316, 18422726, 25892863, 28251689, 28533537, 29330641) or pancreatic adenocarcinoma (PMID: 30833417). This variant has also been reported in individuals affected with breast cancer (PMID: 32761968). This variant has been identified in 7/250874 chromosomes in the general population by the Genome Aggregation Database (gnomAD). Based on the available evidence, this variant is classified as Likely Pathogenic.

This study involves interpretation of variants in research participants for the purpose of population health screening. Participant phenotype was not available at the time of variant classification. Additional details can be found in publication PMID: 35346344, PMCID: PMC8962531

Baylor Genetics
Classification: Pathogenic for Familial adenomatous polyposis 2. Last evaluated: 2024-03-20. Review status: criteria provided, single submitter. Criteria: ACMG Guidelines, 2015. Collection method: clinical testing. Allele origin: unknown.

CeGaT Center for Human Genetics Tuebingen
Classification: Likely pathogenic. Last evaluated: 2024-02-01. Review status: criteria provided, single submitter. Criteria: CeGaT Center For Human Genetics Tuebingen Variant Classification Criteria Version 2. Collection method: clinical testing. Allele origin: germline. Affected: yes. Observed: 2 variant alleles.
Comment: MUTYH: PM2, PS3:Moderate, PS4:Moderate, PP3